The following is an entry in ClinVar:

ClinVar aggregate classification (germline): Uncertain significance (1 of 4 stars; one submission).

gnomAD v4.1: 2 of 1,584,194 alleles (0.00013%); highest among the groups gnomAD compares: Admixed American, 0.0036%; no homozygotes.

Submission:

CeGaT Center for Human Genetics Tuebingen
Classification: Uncertain significance. Last evaluated: 2026-09-01. Review status: criteria provided, single submitter. Criteria: CeGaT Center For Human Genetics Tuebingen Variant Classification Criteria Version 2. Collection method: clinical testing. Allele origin: germline. Affected: yes. Observed: 1 variant allele.
Comment: ESPN: PM2

NM_031475.3(ESPN):c.867G>C (p.Gln289His)

Gene: ESPN (espin; plus strand). Cytogenetic location: 1p36.31.
Variant type: single nucleotide variant.
Coding change: c.867G>C on transcript NM_031475.3 (MANE Select); coding-DNA position 867, G replaced by C.
Protein change: p.Gln289His; replaces glutamine 289 with histidine.
Molecular consequence: missense variant.
Genome position (GRCh38, 1-based): chr1:6,440,942, G>C. VCF-style: chr1-6440942-G-C. GRCh37 (hg19) VCF-style: chr1-6501002-G-C.
Other names: c.867G>C, p.Gln289His (NM_001367473.1, NM_001367474.1); short protein forms Q289H.
Identifiers: ClinVar variation 5041232 (VCV005041232.1).